The following is an entry in ClinVar:

NM_021871.4(FGA):c.761T>C (p.Met254Thr)

Gene: FGA (fibrinogen alpha chain; minus strand). Cytogenetic location: 4q31.3.
Variant type: single nucleotide variant.
Coding change: c.761T>C on transcript NM_021871.4 (MANE Select); coding-DNA position 761, T replaced by C.
Protein change: p.Met254Thr; replaces methionine 254 with threonine.
Molecular consequence: missense variant.
Genome position (GRCh38, 1-based): chr4:154,586,668, A>G on the plus strand (T>C on the coding strand, the complement: FGA is on the minus strand). VCF-style: chr4-154586668-A-G. GRCh37 (hg19) VCF-style: chr4-155507820-A-G.
Other names: c.761T>C, p.Met254Thr (NM_000508.5); short protein forms M254T.
Identifiers: ClinVar variation 2518830 (VCV002518830.5), dbSNP rs370265822, ClinGen allele CA3115225.
Genomic context (GRCh38, chr4:154,586,668, plus strand): 5'-GAGCCTCCTCGAGTAATCTCATTTCCACCAGGTCTCTCTAACTCCATTCTCATCTGCGGC[A>G]TGTCTGTTAATGCCTTCCACTCTGGGGGTACCTTCTGAAGCTGGCTCTTAAAATTTCCGG-3'
Protein context (NP_068657.1, residues 244-264): VPPEWKALTD[Met254Thr]PQMRMELERP

ClinVar aggregate classification (germline): Uncertain significance. Review status: criteria provided, multiple submitters, no conflicts (2 of 4 stars). 3 submissions from 3 submitters: Uncertain significance (3). Last evaluated 2026-03-21.

Conditions:
Congenital afibrinogenemia. Identifiers: Orphanet 335, Orphanet 98880, MedGen C2584774, MONDO:0008737, OMIM 202400.
Familial visceral amyloidosis, Ostertag type (AMYLD2). Also called: AMYLOIDOSIS VIII; Familial visceral amyloidosis; Ostertag type amyloidosis; Hereditary Renal Amyloidosis; Amyloidosis, hepatic and systemic; AMYLOIDOSIS, HEREDITARY SYSTEMIC 2. Identifiers: Orphanet 85450, MedGen C0268389, MONDO:0007099, OMIM 105200.
Familial dysfibrinogenemia. Also called: Dysfibrinogenemia, congenital. Identifiers: Orphanet 335, Orphanet 98881, MedGen C0272350, MONDO:0014452, OMIM 616004.
Inborn genetic diseases. Identifiers: MedGen C0950123, MeSH D030342.

Allele frequency attached by ClinVar (database versions not stated): gnomAD exomes 0.00001; ExAC 0.00002; TOPMed 0.00006; ESP Exome Variant Server 0.00008; gnomAD 0.00009; 1000 Genomes Project 30x 0.00016; 1000 Genomes Project 0.00020.

Submissions (3):

GeneDx
Classification: Uncertain significance. Last evaluated: 2026-03-21. Review status: criteria provided, single submitter. Criteria: GeneDx Variant Classification Process June 2021. Collection method: clinical testing. Allele origin: germline.
Comment: In silico analysis suggests that this missense variant does not alter protein structure/function; Has not been previously published as pathogenic or benign to our knowledge

Ambry Genetics
Classification: Uncertain significance for Inborn genetic diseases. Last evaluated: 2025-11-24. Review status: criteria provided, single submitter. Criteria: Ambry Variant Classification Scheme 2023. Collection method: clinical testing. Allele origin: germline.

Fulgent Genetics
Classification: Uncertain significance for Familial visceral amyloidosis, Ostertag type; Congenital afibrinogenemia; Familial dysfibrinogenemia. Last evaluated: 2024-06-14. Review status: criteria provided, single submitter. Criteria: ACMG Guidelines, 2015. Collection method: clinical testing. Allele origin: germline.